The following is an entry in ClinVar:

NM_001134673.4(NFIA):c.248T>C (p.Ile83Thr)

Gene: NFIA (nuclear factor I A; plus strand). Cytogenetic location: 1p31.3.
Variant type: single nucleotide variant.
Coding change: c.248T>C on transcript NM_001134673.4 (MANE Select); coding-DNA position 248, T replaced by C.
Protein change: p.Ile83Thr; replaces isoleucine 83 with threonine.
Molecular consequence: missense variant.
Genome position (GRCh38, 1-based): chr1:61,088,369, T>C. VCF-style: chr1-61088369-T-C. GRCh37 (hg19) VCF-style: chr1-61554041-T-C.
Other names: c.224T>C, p.Ile75Thr (NM_001145511.2); c.383T>C, p.Ile128Thr (NM_001145512.2); c.248T>C, p.Ile83Thr (NM_005595.5); short protein forms I83T, I75T, I128T.
Identifiers: ClinVar variation 4994857 (VCV004994857.1).

ClinVar aggregate classification (germline): Uncertain significance (1 of 4 stars; one submission).

Conditions:
NFIA-Related Disorder. Also called: NFIA-related condition; NFIA-related disorders. Identifiers: MedGen CN381099.

Submission:

PreventionGenetics, part of Exact Sciences
Classification: Uncertain significance for NFIA-related condition. Last evaluated: 2026-07-24. Review status: criteria provided, single submitter. Criteria: ACMG Guidelines, 2015. Collection method: clinical testing. Allele origin: germline.
Comment: The NFIA c.248T>C variant is predicted to result in the amino acid substitution p.Ile83Thr. To our knowledge, this variant has not been reported in the literature or in a large population database (gnomAD), indicating this variant is rare. At this time, the clinical significance of this variant is uncertain due to the absence of conclusive functional and genetic evidence.